The following is an entry in ClinVar:

NM_003238.6(TGFB2):c.656G>A (p.Gly219Glu)

Gene: TGFB2 (transforming growth factor beta 2; plus strand). Cytogenetic location: 1q41.
Variant type: single nucleotide variant.
Coding change: c.656G>A on transcript NM_003238.6 (MANE Select); coding-DNA position 656, G replaced by A.
Protein change: p.Gly219Glu; replaces glycine 219 with glutamic acid.
Molecular consequence: missense variant. On other transcripts: non-coding transcript variant (2).
Genome position (GRCh38, 1-based): chr1:218,434,350, G>A. VCF-style: chr1-218434350-G-A. GRCh37 (hg19) VCF-style: chr1-218607692-G-A.
Other names: c.740G>A, p.Gly247Glu (NM_001135599.4); short protein forms G247E, G219E.
Identifiers: ClinVar variation 3455796 (VCV003455796.1).

ClinVar aggregate classification (germline): Uncertain significance (1 of 4 stars; one submission).

Conditions:
Familial thoracic aortic aneurysm and aortic dissection (TAAD). Also called: Thoracic aortic aneurysms and dissections. Identifiers: Orphanet 91387, MedGen C4707243, MONDO:0019625.

Submission:

Ambry Genetics
Classification: Uncertain significance for Familial thoracic aortic aneurysm and aortic dissection. Last evaluated: 2024-09-24. Review status: criteria provided, single submitter. Criteria: Ambry Variant Classification Scheme 2023. Collection method: clinical testing. Allele origin: germline.
Comment: The p.G219E variant (also known as c.656G>A), located in coding exon 4 of the TGFB2 gene, results from a G to A substitution at nucleotide position 656. The glycine at codon 219 is replaced by glutamic acid, an amino acid with similar properties. This amino acid position is conserved. In addition, this alteration is predicted to be deleterious by in silico analysis. Based on the available evidence, the clinical significance of this variant remains unclear.